The following is an entry in ClinVar:

NM_001174147.2(LMX1B):c.463G>A (p.Glu155Lys)

Gene: LMX1B (LIM homeobox transcription factor 1 beta; plus strand). Cytogenetic location: 9q33.3.
Variant type: single nucleotide variant.
Coding change: c.463G>A on transcript NM_001174147.2 (MANE Select); coding-DNA position 463, G replaced by A.
Protein change: p.Glu155Lys; replaces glutamic acid 155 with lysine.
Molecular consequence: missense variant.
Genome position (GRCh38, 1-based): chr9:126,690,972, G>A. VCF-style: chr9-126690972-G-A. GRCh37 (hg19) VCF-style: chr9-129453251-G-A.
Other names: c.463G>A, p.Glu155Lys (NM_002316.4, NM_001174146.2); c.463G>A (NM_002316.3); short protein forms E155K.
Identifiers: ClinVar variation 1011992 (VCV001011992.12), dbSNP rs776839118, ClinGen allele CA5242317.

ClinVar aggregate classification (germline): Uncertain significance. Review status: criteria provided, multiple submitters, no conflicts (2 of 4 stars). 3 submissions from 3 submitters: Uncertain significance (3). Last evaluated 2024-04-17.

Conditions:
Nail-patella syndrome (NPS). Also called: TURNER-KIESER SYNDROME; FONG DISEASE; ONYCHOOSTEODYSPLASIA. Identifiers: Orphanet 2614, MedGen C0027341, MONDO:0008061, OMIM 161200.
Nail-patella-like renal disease. Also called: GLOMERULAR BASEMENT MEMBRANE DISEASE, NAIL-PATELLA SYNDROME TYPE; Focal Segmental Glomerulosclerosis 10. Identifiers: Orphanet 2613, MedGen C0403548, MONDO:0009724, OMIM 256020.
Inborn genetic diseases. Identifiers: MedGen C0950123, MeSH D030342.

Allele frequency attached by ClinVar (database versions not stated): gnomAD exomes 0.00002 and 0.00004; TOPMed 0.00002; gnomAD 0.00004; ExAC 0.00005.
gnomAD v4.1: 33 of 1,613,988 alleles (0.002%); highest among the groups gnomAD compares: Admixed American, 0.005%; no homozygotes.

Submissions (3):

Fulgent Genetics
Classification: Uncertain significance for Nail-patella syndrome; Nail-patella-like renal disease. Last evaluated: 2024-04-17. Review status: criteria provided, single submitter. Criteria: ACMG Guidelines, 2015. Collection method: clinical testing. Allele origin: germline.

Ambry Genetics
Classification: Uncertain significance for Inborn genetic diseases. Last evaluated: 2022-07-19. Review status: criteria provided, single submitter. Criteria: Ambry Variant Classification Scheme 2023. Collection method: clinical testing. Allele origin: germline.

Labcorp Genetics (formerly Invitae), Labcorp
Classification: Uncertain significance. Last evaluated: 2020-10-12. Review status: criteria provided, single submitter. Criteria: Invitae Variant Classification Sherloc (09022015). Collection method: clinical testing. Allele origin: germline.
Comment: In summary, the available evidence is currently insufficient to determine the role of this variant in disease. Therefore, it has been classified as a Variant of Uncertain Significance. Algorithms developed to predict the effect of missense changes on protein structure and function are either unavailable or do not agree on the potential impact of this missense change (SIFT: "Deleterious"; PolyPhen-2: "Probably Damaging"; Align-GVGD: "Class C0"). This variant has not been reported in the literature in individuals with LMX1B-related conditions. This variant is present in population databases (rs776839118, ExAC 0.009%). This sequence change replaces glutamic acid with lysine at codon 155 of the LMX1B protein (p.Glu155Lys). The glutamic acid residue is highly conserved and there is a small physicochemical difference between glutamic acid and lysine.